The following is an entry in ClinVar:

ClinVar aggregate classification (germline): Benign; risk factor. Review status: criteria provided, multiple submitters, no conflicts (2 of 4 stars). 6 submissions from 6 submitters: Benign (3). 2 of the submissions do not count toward it. Last evaluated 2026-02-02.

Conditions:
Aganglionic megacolon (HSCR). Also called: Hirschsprung's disease; Hirschsprung disease. Identifiers: Orphanet 388, MedGen C0019569, MeSH D006627, MONDO:0018309, HP:0002251.
Multiple endocrine neoplasia, type 2 (MEN2). Identifiers: Orphanet 653, MedGen C4048306, MONDO:0019003. Disease mechanism: gain of function.
Hirschsprung disease, susceptibility to, 1 (HSCR1). Also called: RET-Related Hirschsprung Disease. Identifiers: Orphanet 388, MedGen C3888239, MONDO:0007723, OMIM 142623.

Allele frequency attached by ClinVar (database versions not stated): 1000 Genomes Project 30x 0.76889; 1000 Genomes Project 0.75739; gnomAD 0.79636 and 0.78883; TOPMed 0.80783.
gnomAD v4.1: 120,154 of 152,304 alleles (79%); highest among the groups gnomAD compares: African/African-American, 95%; 48,464 homozygotes.

Submissions (6):

Labcorp Genetics (formerly Invitae), Labcorp
Classification: Benign for Multiple endocrine neoplasia, type 2. Last evaluated: 2026-02-02. Review status: criteria provided, single submitter. Criteria: Invitae Variant Classification Sherloc (09022015). Collection method: clinical testing. Allele origin: germline.

GeneDx
Classification: Benign. Last evaluated: 2017-12-06. Review status: criteria provided, single submitter. Criteria: GeneDx Variant Classification (06012015). Collection method: clinical testing. Allele origin: germline. Affected: yes.
Comment: This variant is considered likely benign or benign based on one or more of the following criteria: it is a conservative change, it occurs at a poorly conserved position in the protein, it is predicted to be benign by multiple in silico algorithms, and/or has population frequency not consistent with disease.

Center of Genomic medicine, Geneva, University Hospital of Geneva
Classification: risk factor for Hirschsprung disease. Last evaluated: 2017-11-20. Review status: criteria provided, single submitter. Criteria: ACMG Guidelines, 2015. Collection method: clinical testing. Allele origin: germline. Affected: yes.

Breakthrough Genomics
Classification: Benign. Review status: criteria provided, single submitter. Criteria: ACMG Guidelines, 2015. Collection method: not provided. Allele origin: germline. Inheritance: Autosomal dominant inheritance. Affected: yes.

Foundation for Research in Genetics and Endocrinology, FRIGE's Institute of Human Genetics
Classification: risk factor for Hirschsprung disease, susceptibility to, 1. Last evaluated: 2020-02-19. Review status: no assertion criteria provided. Collection method: clinical testing. Allele origin: germline. Inheritance: Autosomal dominant inheritance. Affected: yes. Observed: 1 heterozygote. Not counted in ClinVar's aggregate classification.
Comment: A heterozygous variant c.73+9277T>C in intron 1 of the RET gene was detected. Presence of this allele has been identified to increase risk of Hirschprung disease by 5.7X compared to people who don't carry the variant (Virtanen et al. EJHG 2019). The allele frequency for the variant is 0.774 as given in gnomAD genomes. In summary, the variant meets our criteria to be classified as a risk factor for Hirschprung disease.

OMIM
Classification: risk factor for HIRSCHSPRUNG DISEASE, SUSCEPTIBILITY TO, 1. Last evaluated: 2010-07-09. Review status: no assertion criteria provided. Collection method: literature only. Allele origin: germline. Not counted in ClinVar's aggregate classification.

Literature cited by the submitters: PubMed 15829955 (cited by OMIM); PubMed 20598273 (cited by OMIM).

NM_020975.6(RET):c.73+9277T>C

Genes: MCS+9.7 (RET intron 1 enhancer; plus strand), RET (ret proto-oncogene; plus strand), LOC110121502 (VISTA enhancer hs2326; plus strand). Cytogenetic location: 10q11.21.
Variant type: single nucleotide variant.
Coding change: c.73+9277T>C on transcript NM_020975.6 (MANE Select); 9277 bases into the intron after coding-DNA position 73, T replaced by C.
Molecular consequence: intron variant.
Genome position (GRCh38, 1-based): chr10:43,086,608, T>C. VCF-style: chr10-43086608-T-C. GRCh37 (hg19) VCF-style: chr10-43582056-T-C.
Other names: IVS1, C-T, +9.7 KB (rs2435357); c.73+9277T>C (NM_020630.7, NM_001406743.1, NM_001406744.1 and 36 more transcripts).
Identifiers: ClinVar variation 13952 (VCV000013952.18), dbSNP rs2435357, ClinGen allele CA009335.
Genomic context (GRCh38, chr10:43,086,608, plus strand): 5'-ATGTAATCAGCTGGGGCAGACTCTACAGCCCTGCAGCCAAGGGGGCCAGTGACCCTTACA[T>C]GGTCATCCACAGGCCACTTGGGTGGCCAGTCCTGTTCAGCCAGGCCTTGCCCTAGGAAAG-3'